The following is an entry in ClinVar:

NM_201384.3(PLEC):c.10058G>C (p.Gly3353Ala)

Gene: PLEC (plectin; minus strand). Cytogenetic location: 8q24.3.
Variant type: single nucleotide variant.
Coding change: c.10058G>C on transcript NM_201384.3 (MANE Select); coding-DNA position 10058, G replaced by C.
Protein change: p.Gly3353Ala; replaces glycine 3353 with alanine.
Molecular consequence: missense variant.
Genome position (GRCh38, 1-based): chr8:143,919,763, C>G on the plus strand (G>C on the coding strand, the complement: PLEC is on the minus strand). VCF-style: chr8-143919763-C-G. GRCh37 (hg19) VCF-style: chr8-144993931-C-G.
Other names: p.Gly3339Ala; c.10139G>C, p.Gly3380Ala (NM_000445.5); c.10016G>C, p.Gly3339Ala (NM_201378.4); c.9992G>C, p.Gly3331Ala (NM_201379.3); c.10469G>C, p.Gly3490Ala (NM_201380.4); c.9962G>C, p.Gly3321Ala (NM_201381.3); c.10058G>C, p.Gly3353Ala (NM_201382.4); c.10070G>C, p.Gly3357Ala (NM_201383.3); short protein forms G3321A, G3331A, G3339A, G3353A, G3357A, G3380A, G3490A.
Identifiers: ClinVar variation 129922 (VCV000129922.23), dbSNP rs35261863, ClinGen allele CA154335.
Genomic context (GRCh38, chr8:143,919,763, plus strand): 5'-TCGTAGATGGACACCTTCTCCTTGGTGTCCTCCAGGTAGATGCCGGCGAGGCAGCCACTG[C>G]CCTGCAGCAGCGTCCGCACGGAGCCCAGCTCCGAAAGGTCCTTGACCGTCGTCTTGCCGT-3'
Protein context (NP_958786.1, residues 3343-3363): ELGSVRTLLQ[Gly3353Ala]SGCLAGIYLE

ClinVar aggregate classification (germline): Benign/Likely benign. Review status: criteria provided, multiple submitters, no conflicts (2 of 4 stars). 8 submissions from 8 submitters: Benign (6); Likely benign (1). 1 of the submissions does not count toward it. Last evaluated 2026-02-03.

Conditions:
Epidermolysis bullosa simplex 5C, with pyloric atresia (EBS5C). Also called: PLEC1-Related Epidermolysis Bullosa with Pyloric Atresia; PLEC-Related Epidermolysis Bullosa with Pyloric Atresia; Epidermolysis bullosa simplex with pyloric atresia. Identifiers: Orphanet 158684, MedGen C2677349, MONDO:0012807, OMIM 612138.
Epidermolysis bullosa simplex 5B, with muscular dystrophy (EBS5B). Also called: Epidermolysis bullosa simplex with muscular dystrophy; EPIDERMOLYSIS BULLOSA SIMPLEX AND LIMB-GIRDLE MUSCULAR DYSTROPHY. Identifiers: Orphanet 257, MedGen C2931072, MONDO:0009181, OMIM 226670.
Epidermolysis bullosa simplex, Ogna type (EBS5A). Also called: Pidermolysis bullosa simplex 5A, Ogna type; EPIDERMOLYSIS BULLOSA SIMPLEX 5A, OGNA TYPE. Identifiers: Orphanet 79401, MedGen C0432317, MONDO:0007555, OMIM 131950.
Autosomal recessive limb-girdle muscular dystrophy type 2Q (LGMDR17). Also called: MUSCULAR DYSTROPHY, LIMB-GIRDLE, AUTOSOMAL RECESSIVE 17. Identifiers: Orphanet 254361, MedGen C3150989, MONDO:0013390, OMIM 613723.
Epidermolysis bullosa simplex with nail dystrophy (EBS5D). Identifiers: MedGen C4225309, MONDO:0014661, OMIM 616487.

Allele frequency attached by ClinVar (database versions not stated): 1000 Genomes Project 30x 0.00531; 1000 Genomes Project 0.00599; TOPMed 0.00989; gnomAD 0.01041 and 0.01065; gnomAD exomes 0.01105; ExAC 0.01131; ESP Exome Variant Server 0.01170.
gnomAD v4.1: 24,926 of 1,610,688 alleles (1.5%); highest among the groups gnomAD compares: Non-Finnish European, 1.9%; 233 homozygotes.

Submissions (8):

Labcorp Genetics (formerly Invitae), Labcorp
Classification: Benign for Autosomal recessive limb-girdle muscular dystrophy type 2Q; Epidermolysis bullosa simplex, Ogna type; Epidermolysis bullosa simplex with nail dystrophy; Epidermolysis bullosa simplex 5C, with pyloric atresia; Epidermolysis bullosa simplex 5B, with muscular dystrophy. Last evaluated: 2026-02-03. Review status: criteria provided, single submitter. Criteria: Invitae Variant Classification Sherloc (09022015). Collection method: clinical testing. Allele origin: germline.

Blueprint Genetics
Classification: Likely benign. Last evaluated: 2024-11-26. Review status: criteria provided, single submitter. Criteria: ACMG Guidelines, 2015. Collection method: clinical testing. Allele origin: germline.

Athena Diagnostics
Classification: Benign. Last evaluated: 2019-01-28. Review status: criteria provided, single submitter. Criteria: Athena Diagnostics Criteria. Collection method: clinical testing. Allele origin: germline.

Mayo Clinic Laboratories, Mayo Clinic
Classification: Benign. Last evaluated: 2018-03-09. Review status: criteria provided, single submitter. Criteria: ACMG Guidelines, 2015. Collection method: clinical testing. Allele origin: germline. Observed: 43 variant alleles.

GeneDx
Classification: Benign. Last evaluated: 2016-03-10. Review status: criteria provided, single submitter. Criteria: GeneDx Variant Classification (06012015). Collection method: clinical testing. Allele origin: germline. Affected: yes.
Comment: This variant is considered likely benign or benign based on one or more of the following criteria: it is a conservative change, it occurs at a poorly conserved position in the protein, it is predicted to be benign by multiple in silico algorithms, and/or has population frequency not consistent with disease.

Laboratory for Molecular Medicine, Mass General Brigham Personalized Medicine
Classification: Benign. Last evaluated: 2015-01-13. Review status: criteria provided, single submitter. Criteria: LMM Criteria. Collection method: clinical testing. Allele origin: germline. Observed: 2 variant alleles.
Comment: p.Gly3490Ala in exon 32 of PLEC: This variant is not expected to have clinical s ignificance because it has been identified in 1.7% (139/8390) of European Americ an chromosomes from a broad population by the NHLBI Exome Sequencing Project (dbSNP rs35261863).

Breakthrough Genomics
Classification: Benign. Review status: criteria provided, single submitter. Criteria: ACMG Guidelines, 2015. Collection method: not provided. Allele origin: germline. Inheritance: Autosomal recessive inheritance. Affected: yes.

Genetic Services Laboratory, University of Chicago
Classification: Likely benign for AllHighlyPenetrant. Review status: no assertion criteria provided. Collection method: clinical testing. Allele origin: germline. Inheritance: Autosomal recessive inheritance. Not counted in ClinVar's aggregate classification.
Comment: Likely benign based on allele frequency in 1000 Genomes Project or ESP global frequency and its presence in a patient with a rare or unrelated disease phenotype. NOT Sanger confirmed.

Literature cited by the submitters: PubMed 29050564 (cited by Athena Diagnostics).